The following is an entry in ClinVar:

NM_178138.6(LHX3):c.428_454+69del

Gene: LHX3 (LIM homeobox 3; minus strand). Cytogenetic location: 9q34.3.
Variant type: Deletion.
Coding change: c.428_454+69del on transcript NM_178138.6 (MANE Select); coding-DNA position 428 through 69 bases into the intron after coding-DNA position 454, 96 bases deleted.
Molecular consequence: splice donor variant.
Genome position (GRCh38, 1-based): chr9:136,199,609-136,199,704, 96 bases deleted. GRCh37 (hg19): chr9:139,091,457-139,091,552.
Other names: c.443_469+69del (NM_014564.5); c.395_421+69del (NM_001363746.1).
Identifiers: ClinVar variation 2043249 (VCV002043249.4), dbSNP rs2490914173, ClinGen allele CA2580080097.

ClinVar aggregate classification (germline): Likely pathogenic (1 of 4 stars; one submission).

Submission:

Labcorp Genetics (formerly Invitae), Labcorp
Classification: Likely pathogenic. Last evaluated: 2021-12-15. Review status: criteria provided, single submitter. Criteria: Invitae Variant Classification Sherloc (09022015). Collection method: clinical testing. Allele origin: germline.
Comment: This variant results in the deletion of part of exon 3 (c.443_469+69del) of the LHX3 gene. It is expected to disrupt RNA splicing. Variants that disrupt the donor or acceptor splice site typically lead to a loss of protein function (PMID: 16199547), and loss-of-function variants in LHX3 are known to be pathogenic (PMID: 16394081, 18407919). This variant is not present in population databases (gnomAD no frequency). This variant has not been reported in the literature in individuals affected with LHX3-related conditions. Algorithms developed to predict the effect of sequence changes on RNA splicing suggest that this variant may disrupt the consensus splice site. In summary, the currently available evidence indicates that the variant is pathogenic, but additional data are needed to prove that conclusively. Therefore, this variant has been classified as Likely Pathogenic.

Literature cited by the submitters: PubMed 16199547; PubMed 16394081; PubMed 18407919.